The following is an entry in ClinVar:

NM_007186.6(CEP250):c.1190G>A (p.Arg397Gln)

Genes: CEP250 (centrosomal protein 250; plus strand), CEP250-AS1 (CEP250 antisense RNA 1; minus strand). Cytogenetic location: 20q11.22.
Variant type: single nucleotide variant.
Coding change: c.1190G>A on transcript NM_007186.6 (MANE Select); coding-DNA position 1190, G replaced by A.
Protein change: p.Arg397Gln; replaces arginine 397 with glutamine.
Molecular consequence: missense variant. On other transcripts: 5 prime UTR variant (1).
Genome position (GRCh38, 1-based): chr20:35,472,812, G>A. VCF-style: chr20-35472812-G-A. GRCh37 (hg19) VCF-style: chr20-34060637-G-A.
Other names: c.-710G>A (NM_001318219.1); c.1190G>A (NM_007186.3); short protein forms R397Q.
Identifiers: ClinVar variation 968418 (VCV000968418.6), dbSNP rs766701871, ClinGen allele CA9832836.

ClinVar aggregate classification (germline): Conflicting classifications of pathogenicity. Review status: criteria provided, conflicting classifications (1 of 4 stars). 2 submissions from 2 submitters: Uncertain significance (1); Likely benign (1). Last evaluated 2022-09-29.

Allele frequency attached by ClinVar (database versions not stated): ExAC 0.00001; gnomAD 0.00001; gnomAD exomes 0.00001; TOPMed 0.00003.
gnomAD v4.1: 17 of 1,613,978 alleles (0.0011%); highest among the groups gnomAD compares: Admixed American, 0.0033%; no homozygotes.

Submissions (2):

Ambry Genetics
Classification: Likely benign. Last evaluated: 2022-09-29. Review status: criteria provided, single submitter. Criteria: Ambry Variant Classification Scheme 2023. Collection method: clinical testing. Allele origin: germline.

Labcorp Genetics (formerly Invitae), Labcorp
Classification: Uncertain significance. Last evaluated: 2022-07-25. Review status: criteria provided, single submitter. Criteria: Invitae Variant Classification Sherloc (09022015). Collection method: clinical testing. Allele origin: germline.
Comment: This sequence change replaces arginine, which is basic and polar, with glutamine, which is neutral and polar, at codon 397 of the CEP250 protein (p.Arg397Gln). This variant is present in population databases (rs766701871, gnomAD 0.002%). This variant has not been reported in the literature in individuals affected with CEP250-related conditions. ClinVar contains an entry for this variant (Variation ID: 968418). Algorithms developed to predict the effect of missense changes on protein structure and function output the following: SIFT: "Not Available"; PolyPhen-2: "Benign"; Align-GVGD: "Not Available". The glutamine amino acid residue is found in multiple mammalian species, which suggests that this missense change does not adversely affect protein function. In summary, the available evidence is currently insufficient to determine the role of this variant in disease. Therefore, it has been classified as a Variant of Uncertain Significance.